The following is an entry in ClinVar:

ClinVar aggregate classification (germline): Likely benign (1 of 4 stars; one submission).

gnomAD v4.1: 165 of 1,070,518 alleles (0.015%); highest among the groups gnomAD compares: Non-Finnish European, 0.019%; 54 homozygotes.

Submission:

CeGaT Center for Human Genetics Tuebingen
Classification: Likely benign. Last evaluated: 2025-11-01. Review status: criteria provided, single submitter. Criteria: CeGaT Center For Human Genetics Tuebingen Variant Classification Criteria Version 2. Collection method: clinical testing. Allele origin: germline. Affected: yes. Observed: 2 variant alleles.
Comment: HLA-DQA1: BP4, BS2

NM_002122.5(HLA-DQA1):c.199A>G (p.Thr67Ala)

Gene: HLA-DQA1 (major histocompatibility complex, class II, DQ alpha 1; plus strand). Cytogenetic location: 6p21.32.
Variant type: single nucleotide variant.
Coding change: c.199A>G on transcript NM_002122.5 (MANE Select); coding-DNA position 199, A replaced by G.
Protein change: p.Thr67Ala; replaces threonine 67 with alanine.
Molecular consequence: missense variant.
Genome position (GRCh38, 1-based): chr6:32,641,426, A>G. VCF-style: chr6-32641426-A-G. GRCh37 (hg19) VCF-style: chr6-32609203-A-G.
Other names: short protein forms T67A.
Identifiers: ClinVar variation 3257709 (VCV003257709.17).
Genomic context (GRCh38, chr6:32,641,426, plus strand): 5'-CAGTACACCCATGAATTTGATGGAGATGAGCAGTTCTACGTGGACCTGGAGAGGAAGGAG[A>G]CTGCCTGGCGGTGGCCTGAGTTCAGCAAATTTGGAGGTTTTGACCCGCAGGGTGCACTGA-3'
Protein context (NP_002113.2, residues 57-77): QFYVDLERKE[Thr67Ala]AWRWPEFSKF